The following is an entry in ClinVar:

NM_001376.5(DYNC1H1):c.9774A>G (p.Gln3258=)

Gene: DYNC1H1 (dynein cytoplasmic 1 heavy chain 1; plus strand). Cytogenetic location: 14q32.31.
Variant type: single nucleotide variant.
Coding change: c.9774A>G on transcript NM_001376.5 (MANE Select); coding-DNA position 9774, A replaced by G.
Protein change: p.Gln3258=; no amino-acid change (glutamine 3258 retained).
Molecular consequence: synonymous variant.
Genome position (GRCh38, 1-based): chr14:102,030,173, A>G. VCF-style: chr14-102030173-A-G. GRCh37 (hg19) VCF-style: chr14-102496510-A-G.
Identifiers: ClinVar variation 1274496 (VCV001274496.10), dbSNP rs528520653, ClinGen allele CA7353300.

ClinVar aggregate classification (germline): Benign/Likely benign. Review status: criteria provided, multiple submitters, no conflicts (2 of 4 stars). 3 submissions from 3 submitters: Benign (2); Likely benign (1). Last evaluated 2026-05-05.

Conditions:
DYNC1H1-related disorder. Also called: DYNC1H1-related condition; DYNC1H1-related disorders. Identifiers: MedGen CN381529.
Charcot-Marie-Tooth disease axonal type 2O. Also called: CHARCOT-MARIE-TOOTH NEUROPATHY, AXONAL, TYPE 2O; CHARCOT-MARIE-TOOTH DISEASE, AXONAL, AUTOSOMAL DOMINANT, TYPE 2O; Charcot-Marie-Tooth Neuropathy Type 2O; Charcot-Marie-Tooth disease, axonal, type 20. Identifiers: Orphanet 284232, MedGen C3280220, MONDO:0013644, OMIM 614228.

Allele frequency attached by ClinVar (database versions not stated): gnomAD exomes 0.00011 and 0.00026; 1000 Genomes Project 30x 0.00016; 1000 Genomes Project 0.00020; ExAC 0.00030; TOPMed 0.00002; gnomAD 0.00007.
gnomAD v4.1: 174 of 1,614,200 alleles (0.011%); highest among the groups gnomAD compares: South Asian, 0.18%; 5 homozygotes.

Submissions (3):

PreventionGenetics, part of Exact Sciences
Classification: Likely benign for DYNC1H1-related condition. Last evaluated: 2026-05-05. Review status: criteria provided, single submitter. Criteria: ACMG Guidelines, 2015. Collection method: clinical testing. Allele origin: germline.
Comment: This variant is classified as likely benign based on ACMG/AMP sequence variant interpretation guidelines (Richards et al. 2015 PMID: 25741868, with internal and published modifications).

Labcorp Genetics (formerly Invitae), Labcorp
Classification: Benign for Charcot-Marie-Tooth disease axonal type 2O. Last evaluated: 2026-01-08. Review status: criteria provided, single submitter. Criteria: Invitae Variant Classification Sherloc (09022015). Collection method: clinical testing. Allele origin: germline.

GeneDx
Classification: Benign. Last evaluated: 2021-04-06. Review status: criteria provided, single submitter. Criteria: GeneDx Variant Classification Process June 2021. Collection method: clinical testing. Allele origin: germline. Affected: yes.